The following is an entry in ClinVar:

ClinVar aggregate classification (germline): Uncertain significance. Review status: criteria provided, multiple submitters, no conflicts (2 of 4 stars). 2 submissions from 2 submitters: Uncertain significance (2). Last evaluated 2021-12-03.

Conditions:
Inborn genetic diseases. Identifiers: MedGen C0950123, MeSH D030342.

Allele frequency attached by ClinVar (database versions not stated): gnomAD exomes below 0.00001; ExAC 0.00001.
gnomAD v4.1: 5 of 1,613,770 alleles (0.00031%); highest among the groups gnomAD compares: East Asian, 0.0022%; no homozygotes.

Submissions (2):

Labcorp Genetics (formerly Invitae), Labcorp
Classification: Uncertain significance. Last evaluated: 2021-12-03. Review status: criteria provided, single submitter. Criteria: Invitae Variant Classification Sherloc (09022015). Collection method: clinical testing. Allele origin: germline.
Comment: Algorithms developed to predict the effect of missense changes on protein structure and function are either unavailable or do not agree on the potential impact of this missense change (SIFT: "Deleterious"; PolyPhen-2: "Probably Damaging"; Align-GVGD: "Class C0"). In summary, the available evidence is currently insufficient to determine the role of this variant in disease. Therefore, it has been classified as a Variant of Uncertain Significance. This variant has not been reported in the literature in individuals affected with ELOVL4-related conditions. This variant is present in population databases (rs776107074, gnomAD 0.0009%). This sequence change replaces arginine, which is basic and polar, with glutamine, which is neutral and polar, at codon 216 of the ELOVL4 protein (p.Arg216Gln).

Ambry Genetics
Classification: Uncertain significance for Inborn genetic diseases. Last evaluated: 2021-09-17. Review status: criteria provided, single submitter. Criteria: Ambry Variant Classification Scheme 2023. Collection method: clinical testing. Allele origin: germline.

NM_022726.4(ELOVL4):c.647G>A (p.Arg216Gln)

Gene: ELOVL4 (ELOVL fatty acid elongase 4; minus strand). Cytogenetic location: 6q14.1.
Variant type: single nucleotide variant.
Coding change: c.647G>A on transcript NM_022726.4 (MANE Select); coding-DNA position 647, G replaced by A.
Protein change: p.Arg216Gln; replaces arginine 216 with glutamine.
Molecular consequence: missense variant.
Genome position (GRCh38, 1-based): chr6:79,919,442, C>T on the plus strand (G>A on the coding strand, the complement: ELOVL4 is on the minus strand). VCF-style: chr6-79919442-C-T. GRCh37 (hg19) VCF-style: chr6-80629159-C-T.
Other names: c.647G>A (NM_022726.3); short protein forms R216Q.
Identifiers: ClinVar variation 1364987 (VCV001364987.9), dbSNP rs776107074, ClinGen allele CA3901493.